The following is an entry in ClinVar:

NM_001256071.3(RNF213):c.262-10_262-7del

Gene: RNF213 (ring finger protein 213; plus strand). Cytogenetic location: 17q25.3.
Variant type: Deletion.
Coding change: c.262-10_262-7del on transcript NM_001256071.3 (MANE Select); 10 bases into the intron before coding-DNA position 262 through 7 bases into the intron before coding-DNA position 262, 4 bases deleted (TTCT; older notation c.262-10_262-7delTTCT).
Molecular consequence: intron variant.
Genome position (GRCh38, 1-based): chr17:80,287,805-80,287,808, TTCT deleted; deleting any 4 consecutive bases within chr17:80,287,802-80,287,808 gives the same sequence; the c. name uses the placement nearest the transcript's 3' end. VCF-style (leftmost placement, unchanged base first): chr17-80287801-CTCTT-C. GRCh37 (hg19) VCF-style: chr17-78261600-CTCTT-C.
Other names: c.409-10_409-7del (NM_020914.5, NM_001410195.1); c.262-10_262-7del (NM_020954.4).
Identifiers: ClinVar variation 3614019 (VCV003614019.2).

ClinVar aggregate classification (germline): Uncertain significance (1 of 4 stars; one submission).

Submission:

Labcorp Genetics (formerly Invitae), Labcorp
Classification: Uncertain significance. Last evaluated: 2024-08-19. Review status: criteria provided, single submitter. Criteria: Invitae Variant Classification Sherloc (09022015). Collection method: clinical testing. Allele origin: germline.
Comment: This sequence change falls in intron 3 of the RNF213 gene. It does not directly change the encoded amino acid sequence of the RNF213 protein. This variant is present in population databases (rs781720653, gnomAD 0.003%). This variant has not been reported in the literature in individuals affected with RNF213-related conditions. Algorithms developed to predict the effect of sequence changes on RNA splicing suggest that this variant may disrupt the consensus splice site. In summary, the available evidence is currently insufficient to determine the role of this variant in disease. Therefore, it has been classified as a Variant of Uncertain Significance.